The following is an entry in ClinVar:

ClinVar aggregate classification (germline): Uncertain significance (1 of 4 stars; one submission).

Conditions:
Hereditary cancer-predisposing syndrome. Also called: Hereditary neoplastic syndrome; Neoplastic Syndromes, Hereditary; Tumor predisposition; Hereditary Cancer Syndrome. Identifiers: Orphanet 140162, MedGen C0027672, MeSH D009386, MONDO:0015356.

Submission:

Ambry Genetics
Classification: Uncertain significance for Hereditary cancer-predisposing syndrome. Last evaluated: 2025-01-13. Review status: criteria provided, single submitter. Criteria: Ambry Variant Classification Scheme 2023. Collection method: clinical testing. Allele origin: germline.
Comment: The p.Y441C variant (also known as c.1322A>G), located in coding exon 8 of the KIT gene, results from an A to G substitution at nucleotide position 1322. The tyrosine at codon 441 is replaced by cysteine, an amino acid with highly dissimilar properties. This amino acid position is highly conserved in available vertebrate species. In addition, the in silico prediction for this alteration is inconclusive. Based on the available evidence, the clinical significance of this variant remains unclear.

NM_000222.3(KIT):c.1322A>G (p.Tyr441Cys)

Gene: KIT (KIT proto-oncogene, receptor tyrosine kinase; plus strand). Cytogenetic location: 4q12.
Variant type: single nucleotide variant.
Coding change: c.1322A>G on transcript NM_000222.3 (MANE Select); coding-DNA position 1322, A replaced by G.
Protein change: p.Tyr441Cys; replaces tyrosine 441 with cysteine.
Molecular consequence: missense variant.
Genome position (GRCh38, 1-based): chr4:54,723,674, A>G. VCF-style: chr4-54723674-A-G. GRCh37 (hg19) VCF-style: chr4-55589840-A-G.
Other names: c.1322A>G, p.Tyr441Cys (NM_001093772.2, NM_001385285.1, NM_001385286.1); c.1325A>G, p.Tyr442Cys (NM_001385284.1, NM_001385288.1, NM_001385290.1 and 1 more transcripts); short protein forms Y441C, Y442C.
Identifiers: ClinVar variation 3864507 (VCV003864507.1).
Genomic context (GRCh38, chr4:54,723,674, plus strand): 5'-TCGTGAATGGCATGCTCCAATGTGTGGCAGCAGGATTCCCAGAGCCCACAATAGATTGGT[A>G]TTTTTGTCCAGGAACTGAGCAGAGGTGAGATGATTATTTTTGGCACTGCTTATAATGCAG-3'
Protein context (NP_000213.1, residues 431-451): AGFPEPTIDW[Tyr441Cys]FCPGTEQRCS